The following is an entry in ClinVar:

NM_004415.4(DSP):c.5028_5031del (p.Gln1677fs)

Gene: DSP (desmoplakin; plus strand). Cytogenetic location: 6p24.3.
Variant type: Deletion.
Coding change: c.5028_5031del on transcript NM_004415.4 (MANE Select); coding-DNA positions 5028 to 5031, 4 bases deleted (ACAA; older notation c.5028_5031delACAA).
Protein change: p.Gln1677fs; shifts the reading frame from glutamine 1677.
Molecular consequence: frameshift variant. On other transcripts: intron variant (2).
Genome position (GRCh38, 1-based): chr6:7,581,218-7,581,221, ACAA deleted; deleting any 4 consecutive bases within chr6:7,581,215-7,581,221 gives the same sequence; the c. name uses the placement nearest the transcript's 3' end. VCF-style (leftmost placement, unchanged base first): chr6-7581214-TCAAA-T. GRCh37 (hg19) VCF-style: chr6-7581447-TCAAA-T.
Other names: c.4050+978_4050+981del (NM_001319034.2); c.3583-1424_3583-1421del (NM_001008844.3); short protein forms Q1677fs.
Identifiers: ClinVar variation 2131663 (VCV002131663.4), dbSNP rs2533931355, ClinGen allele CA2580075404.

ClinVar aggregate classification (germline): Pathogenic (1 of 4 stars; one submission).

Conditions:
Arrhythmogenic right ventricular dysplasia 8 (ARVD8). Also called: ARRHYTHMOGENIC RIGHT VENTRICULAR DYSPLASIA, FAMILIAL, 8; ARRHYTHMOGENIC RIGHT VENTRICULAR CARDIOMYOPATHY 8; Arrhythmogenic Right Ventricular Dysplasia/Cardiomyopathy 8. Identifiers: MedGen C1843896, MONDO:0011831, OMIM 607450.
Arrhythmogenic cardiomyopathy with wooly hair and keratoderma. Also called: Dilated cardiomyopathy with woolly hair and keratoderma; PALMOPLANTAR KERATODERMA WITH LEFT VENTRICULAR CARDIOMYOPATHY AND WOOLLY HAIR; Arrhythmogenic cardiomyopathy with woolly hair and keratoderma; Carvajal syndrome. Identifiers: Orphanet 65282, MedGen C1854063, MONDO:0011581, OMIM 605676.

Submission:

Labcorp Genetics (formerly Invitae), Labcorp
Classification: Pathogenic for Arrhythmogenic cardiomyopathy with wooly hair and keratoderma; Arrhythmogenic right ventricular dysplasia 8. Last evaluated: 2022-07-04. Review status: criteria provided, single submitter. Criteria: Invitae Variant Classification Sherloc (09022015). Collection method: clinical testing. Allele origin: germline.
Comment: This variant has not been reported in the literature in individuals affected with DSP-related conditions. For these reasons, this variant has been classified as Pathogenic. This variant is not present in population databases (gnomAD no frequency). This sequence change creates a premature translational stop signal (p.Gln1677Leufs*3) in the DSP gene. It is expected to result in an absent or disrupted protein product. Loss-of-function variants in DSP are known to be pathogenic (PMID: 20716751, 24503780, 25227139).

Literature cited by the submitters: PubMed 20716751; PubMed 24503780; PubMed 25227139.